The following is an entry in ClinVar:

ClinVar aggregate classification (germline): Pathogenic. Review status: criteria provided, single submitter (1 of 4 stars). 2 submissions from 2 submitters: Pathogenic (1). 1 of the submissions does not count toward it. Last evaluated 2025-08-29.

Conditions:
Nephronophthisis 18 (NPHP18). Identifiers: Orphanet 655, MedGen C3890591, MONDO:0014374, OMIM 615862.

Allele frequency attached by ClinVar (database versions not stated): gnomAD 0.00001; gnomAD exomes 0.00001; TOPMed 0.00002.
gnomAD v4.1: 17 of 1,612,430 alleles (0.0011%); highest among the groups gnomAD compares: South Asian, 0.0055%; no homozygotes.

Submissions (2):

Labcorp Genetics (formerly Invitae), Labcorp
Classification: Pathogenic for Nephronophthisis 18. Last evaluated: 2025-08-29. Review status: criteria provided, single submitter. Criteria: Invitae Variant Classification Sherloc (09022015). Collection method: clinical testing. Allele origin: germline.
Comment: This sequence change creates a premature translational stop signal (p.Arg41*) in the CEP83 gene. It is expected to result in an absent or disrupted protein product. Loss-of-function variants in CEP83 are known to be pathogenic (PMID: 23530209, 24882706). This variant is present in population databases (no rsID available, gnomAD 0.003%). This premature translational stop signal has been observed in individual(s) with CEP83-related conditions (PMID: 24882706). ClinVar contains an entry for this variant (Variation ID: 139540). Algorithms developed to predict the effect of sequence changes on RNA splicing suggest that this variant may disrupt the consensus splice site. For these reasons, this variant has been classified as Pathogenic.

OMIM
Classification: Pathogenic for NEPHRONOPHTHISIS 18. Last evaluated: 2014-06-05. Review status: no assertion criteria provided. Collection method: literature only. Allele origin: germline. Not counted in ClinVar's aggregate classification.

Literature cited by the submitters: PubMed 23530209 (cited by Labcorp Genetics (formerly Invitae), Labcorp); PubMed 24882706 (cited by Labcorp Genetics (formerly Invitae), Labcorp and OMIM).

NM_016122.3(CEP83):c.121C>T (p.Arg41Ter)

Gene: CEP83 (centrosomal protein 83; minus strand). Cytogenetic location: 12q22.
Variant type: single nucleotide variant.
Coding change: c.121C>T on transcript NM_016122.3 (MANE Select); coding-DNA position 121, C replaced by T.
Protein change: p.Arg41Ter; replaces arginine 41 with a stop codon.
Molecular consequence: nonsense. On other transcripts: non-coding transcript variant (1), intron variant (6).
Genome position (GRCh38, 1-based): chr12:94,412,370, G>A on the plus strand (C>T on the coding strand, the complement: CEP83 is on the minus strand). VCF-style: chr12-94412370-G-A. GRCh37 (hg19) VCF-style: chr12-94806146-G-A.
Other names: c.121C>T, p.Arg41Ter (NM_001042399.2, NM_001346457.2, NM_001346460.2 and 4 more transcripts); c.-140+147C>T (NM_001346459.2, NM_001346458.2, NM_001368040.1 and 3 more transcripts); short protein forms R41*.
Identifiers: ClinVar variation 139540 (VCV000139540.6), dbSNP rs587777486, ClinGen allele CA163247.